The following is an entry in ClinVar:

NM_000179.3(MSH6):c.2457G>T (p.Glu819Asp)

Gene: MSH6 (mutS homolog 6; plus strand). Cytogenetic location: 2p16.3.
Variant type: single nucleotide variant.
Coding change: c.2457G>T on transcript NM_000179.3 (MANE Select); coding-DNA position 2457, G replaced by T.
Protein change: p.Glu819Asp; replaces glutamic acid 819 with aspartic acid.
Molecular consequence: missense variant.
Genome position (GRCh38, 1-based): chr2:47,800,440, G>T. VCF-style: chr2-47800440-G-T. GRCh37 (hg19) VCF-style: chr2-48027579-G-T.
Other names: c.2067G>T, p.Glu689Asp (NM_001281492.2); c.1551G>T, p.Glu517Asp (NM_001281493.2, NM_001281494.2); short protein forms E517D, E689D, E819D.
Identifiers: ClinVar variation 1317113 (VCV001317113.2), dbSNP rs2104407769, ClinGen allele CA346754083.

ClinVar aggregate classification (germline): Uncertain significance (1 of 4 stars; one submission).

Submission:

GeneDx
Classification: Uncertain significance. Last evaluated: 2020-11-27. Review status: criteria provided, single submitter. Criteria: GeneDx Variant Classification Process June 2021. Collection method: clinical testing. Allele origin: germline. Affected: yes.
Comment: Not observed in large population cohorts (Lek 2016); In silico analysis supports that this missense variant has a deleterious effect on protein structure/function; Has not been previously published as pathogenic or benign to our knowledge